The following is an entry in ClinVar:

NM_001164508.2(NEB):c.5968G>A (p.Glu1990Lys)

Gene: NEB (nebulin; minus strand). Cytogenetic location: 2q23.3.
Variant type: single nucleotide variant.
Coding change: c.5968G>A on transcript NM_001164508.2 (MANE Select); coding-DNA position 5968, G replaced by A.
Protein change: p.Glu1990Lys; replaces glutamic acid 1990 with lysine.
Molecular consequence: missense variant.
Genome position (GRCh38, 1-based): chr2:151,662,137, C>T on the plus strand (G>A on the coding strand, the complement: NEB is on the minus strand). VCF-style: chr2-151662137-C-T. GRCh37 (hg19) VCF-style: chr2-152518651-C-T.
Other names: c.5968G>A, p.Glu1990Lys (NM_001164507.2, NM_001271208.2, NM_004543.5); short protein forms E1990K.
Identifiers: ClinVar variation 331500 (VCV000331500.45), dbSNP rs146310692, ClinGen allele CA1910233.

ClinVar aggregate classification (germline): Benign/Likely benign. Review status: criteria provided, multiple submitters, no conflicts (2 of 4 stars). 8 submissions from 8 submitters: Benign (2); Likely benign (4). 2 of the submissions do not count toward it. Last evaluated 2026-01-24.

Conditions:
Nemaline myopathy 2 (NEM2). Also called: Nemaline myopathy 2, autosomal recessive. Identifiers: MedGen C1850569, MONDO:0009725, OMIM 256030.
NEB-related disorder. Also called: NEB-related condition; NEB-Related Disorders.

Allele frequency attached by ClinVar (database versions not stated): gnomAD exomes 0.00030 and 0.00068; ExAC 0.00090; 1000 Genomes Project 0.00200; ESP Exome Variant Server 0.00267; 1000 Genomes Project 30x 0.00281; gnomAD 0.00291 and 0.00320; TOPMed 0.00337.
gnomAD v4.1: 905 of 1,609,152 alleles (0.056%); highest among the groups gnomAD compares: African/African-American, 1%; 4 homozygotes.

Submissions (8):

Labcorp Genetics (formerly Invitae), Labcorp
Classification: Benign for Nemaline myopathy 2. Last evaluated: 2026-01-24. Review status: criteria provided, single submitter. Criteria: Invitae Variant Classification Sherloc (09022015). Collection method: clinical testing. Allele origin: germline.

Blueprint Genetics
Classification: Likely benign. Last evaluated: 2024-09-13. Review status: criteria provided, single submitter. Criteria: ACMG Guidelines, 2015. Collection method: clinical testing. Allele origin: germline.

CeGaT Center for Human Genetics Tuebingen
Classification: Likely benign. Last evaluated: 2023-11-01. Review status: criteria provided, single submitter. Criteria: CeGaT Center For Human Genetics Tuebingen Variant Classification Criteria Version 2. Collection method: clinical testing. Allele origin: germline. Affected: yes. Observed: 1 variant allele.
Comment: NEB: BP4

GeneDx
Classification: Likely benign. Last evaluated: 2021-05-19. Review status: criteria provided, single submitter. Criteria: GeneDx Variant Classification Process June 2021. Collection method: clinical testing. Allele origin: germline. Affected: yes.

Athena Diagnostics
Classification: Benign. Last evaluated: 2018-05-01. Review status: criteria provided, single submitter. Criteria: Athena Diagnostics Criteria. Collection method: clinical testing. Allele origin: germline.

Illumina Laboratory Services, Illumina
Classification: Likely benign for Nemaline myopathy 2. Last evaluated: 2018-01-13. Review status: criteria provided, single submitter. Criteria: ICSL Variant Classification Criteria 13 December 2019. Collection method: clinical testing. Allele origin: germline.
Comment: This variant was observed in the ICSL laboratory as part of a predisposition screen in an ostensibly healthy population. It had not been previously curated by ICSL or reported in the Human Gene Mutation Database (HGMD: prior to June 1st, 2018), and was therefore a candidate for classification through an automated scoring system. Utilizing variant allele frequency, disease prevalence and penetrance estimates, and inheritance mode, an automated score was calculated to assess if this variant is too frequent to cause the disease. Based on the score and internal cut-off values, a variant classified as likely benign is not then subjected to further curation. The score for this variant resulted in a classification of likely benign for this disease.

PreventionGenetics, part of Exact Sciences
Classification: Benign for NEB-related condition. Last evaluated: 2024-06-21. Review status: no assertion criteria provided. Collection method: clinical testing. Allele origin: germline. Not counted in ClinVar's aggregate classification.
Comment: This variant is classified as benign based on ACMG/AMP sequence variant interpretation guidelines (Richards et al. 2015 PMID: 25741868, with internal and published modifications).

Natera, Inc.
Classification: Likely benign for Nemaline myopathy type 2. Last evaluated: 2020-01-08. Review status: no assertion criteria provided. Collection method: clinical testing. Allele origin: germline. Not counted in ClinVar's aggregate classification.